The following is an entry in ClinVar:

ClinVar aggregate classification (germline): Likely benign (1 of 4 stars; one submission).

gnomAD v4.1: 1 of 1,611,948 alleles (0.000062%); highest among the groups gnomAD compares: East Asian, 0.0022%; no homozygotes.

Submission:

CeGaT Center for Human Genetics Tuebingen
Classification: Likely benign. Last evaluated: 2026-09-01. Review status: criteria provided, single submitter. Criteria: CeGaT Center For Human Genetics Tuebingen Variant Classification Criteria Version 2. Collection method: clinical testing. Allele origin: germline. Affected: yes. Observed: 1 variant allele.
Comment: CENPF: BP4, BP7

NM_016343.4(CENPF):c.4173G>A (p.Glu1391=)

Gene: CENPF (centromere protein F; plus strand). Cytogenetic location: 1q41.
Variant type: single nucleotide variant.
Coding change: c.4173G>A on transcript NM_016343.4 (MANE Select); coding-DNA position 4173, G replaced by A.
Protein change: p.Glu1391=; no amino-acid change (glutamic acid 1391 retained).
Molecular consequence: synonymous variant.
Genome position (GRCh38, 1-based): chr1:214,642,511, G>A. VCF-style: chr1-214642511-G-A. GRCh37 (hg19) VCF-style: chr1-214815854-G-A.
Identifiers: ClinVar variation 5041235 (VCV005041235.1).
Genomic context (GRCh38, chr1:214,642,511, plus strand): 5'-ACAACCAAATGAACAGCACCCTGTGTCTTTGGCTCCATTGGACGAGAGTAATTCCTACGA[G>A]CACTTGACATTGTCAGACAAAGAAGTTCAAATGCACTTTGCCGAATTGCAAGAGAAATTC-3'
Protein context (NP_057427.3, residues 1381-1401): LAPLDESNSY[Glu1391=]HLTLSDKEVQ